The following is an entry in ClinVar:

ClinVar aggregate classification (germline): Uncertain significance (1 of 4 stars; one submission).

Submission:

GeneDx
Classification: Uncertain significance. Last evaluated: 2022-02-01. Review status: criteria provided, single submitter. Criteria: GeneDx Variant Classification Process June 2021. Collection method: clinical testing. Allele origin: germline. Affected: yes.
Comment: Not observed at significant frequency in large population cohorts (gnomAD); In silico analysis supports that this missense variant has a deleterious effect on protein structure/function; Has not been previously published as pathogenic or benign to our knowledge

NM_014712.3(SETD1A):c.3113C>G (p.Ser1038Cys)

Gene: SETD1A (SET domain containing 1A, histone lysine methyltransferase; plus strand). Cytogenetic location: 16p11.2.
Variant type: single nucleotide variant.
Coding change: c.3113C>G on transcript NM_014712.3 (MANE Select); coding-DNA position 3113, C replaced by G.
Protein change: p.Ser1038Cys; replaces serine 1038 with cysteine.
Molecular consequence: missense variant.
Genome position (GRCh38, 1-based): chr16:30,971,474, C>G. VCF-style: chr16-30971474-C-G. GRCh37 (hg19) VCF-style: chr16-30982795-C-G.
Other names: short protein forms S1038C.
Identifiers: ClinVar variation 1699516 (VCV001699516.2), dbSNP rs2143536496, ClinGen allele CA395622946.